The following is an entry in ClinVar:

ClinVar aggregate classification (germline): Uncertain significance (1 of 4 stars; one submission).

Conditions:
Childhood onset GLUT1 deficiency syndrome 2. Also called: PAROXYSMAL EXERCISE-INDUCED DYSKINESIA WITH OR WITHOUT EPILEPSY AND/OR HEMOLYTIC ANEMIA; PAROXYSMAL EXERTION-INDUCED DYSTONIA WITH OR WITHOUT EPILEPSY AND/OR HEMOLYTIC ANEMIA; PED WITH OR WITHOUT EPILEPSY AND/OR HEMOLYTIC ANEMIA; Paroxysmal exercise-induced dystonia; GLUT1 deficiency syndrome 2; PxMD-SLC2A1. Identifiers: Orphanet 98811, MedGen C1842534, MONDO:0012805, OMIM 612126.

Allele frequency attached by ClinVar (database versions not stated): gnomAD exomes below 0.00001.

Submission:

MVZ Medizinische Genetik Mainz
Classification: Uncertain significance for Childhood onset GLUT1 deficiency syndrome 2. Last evaluated: 2021-11-22. Review status: criteria provided, single submitter. Criteria: UK Practice Guidelines For Variant Classification V4 01 2020. Collection method: clinical testing. Allele origin: germline. Inheritance: Autosomal dominant inheritance. Affected: yes. Observed: 1 variant allele.
Comment: ACMG Criteria: PM2_SUP, PP3 (ACMG Version 3)

NM_006516.4(SLC2A1):c.1000C>T (p.Arg334Trp)

Gene: SLC2A1 (solute carrier family 2 member 1; minus strand). Cytogenetic location: 1p34.2.
Variant type: single nucleotide variant.
Coding change: c.1000C>T on transcript NM_006516.4 (MANE Select); coding-DNA position 1000, C replaced by T.
Protein change: p.Arg334Trp; replaces arginine 334 with tryptophan.
Molecular consequence: missense variant.
Genome position (GRCh38, 1-based): chr1:42,929,006, G>A on the plus strand (C>T on the coding strand, the complement: SLC2A1 is on the minus strand). VCF-style: chr1-42929006-G-A. GRCh37 (hg19) VCF-style: chr1-43394677-G-A.
Other names: short protein forms R334W.
Identifiers: ClinVar variation 3236126 (VCV003236126.1), dbSNP rs2524988921, ClinGen allele CA339956008.